The following is an entry in ClinVar:

NM_001267550.2(TTN):c.73426G>T (p.Glu24476Ter)

Genes: TTN (titin; minus strand), TTN-AS1 (TTN antisense RNA 1; plus strand). Cytogenetic location: 2q31.2.
Variant type: single nucleotide variant.
Coding change: c.73426G>T on transcript NM_001267550.2 (MANE Select); coding-DNA position 73426, G replaced by T.
Protein change: p.Glu24476Ter; replaces glutamic acid 24476 with a stop codon.
Molecular consequence: nonsense.
Genome position (GRCh38, 1-based): chr2:178,572,706, C>A on the plus strand (G>T on the coding strand, the complement: TTN is on the minus strand). VCF-style: chr2-178572706-C-A. GRCh37 (hg19) VCF-style: chr2-179437433-C-A.
Other names: c.68503G>T, p.Glu22835Ter (NM_001256850.1); c.46231G>T, p.Glu15411Ter (NM_003319.4); c.65722G>T, p.Glu21908Ter (NM_133378.4); c.46606G>T, p.Glu15536Ter (NM_133432.3); c.46807G>T, p.Glu15603Ter (NM_133437.4); short protein forms E15411*, E15536*, E15603*, E21908*, E22835*, E24476*.
Identifiers: ClinVar variation 1067951 (VCV001067951.9), dbSNP rs760487688, ClinGen allele CA349642203.

ClinVar aggregate classification (germline): Likely pathogenic (1 of 4 stars; one submission).

Conditions:
Dilated cardiomyopathy 1G (CMD1G). Identifiers: Orphanet 154, MedGen C1858763, MONDO:0011400, OMIM 604145.
Autosomal recessive limb-girdle muscular dystrophy type 2J (LGMDR10). Also called: Limb-girdle muscular dystrophy, type 2J; MUSCULAR DYSTROPHY, LIMB-GIRDLE, AUTOSOMAL RECESSIVE 10. Identifiers: Orphanet 140922, MedGen C1837342, MONDO:0012127, OMIM 608807.

Submission:

Labcorp Genetics (formerly Invitae), Labcorp
Classification: Likely pathogenic for Dilated cardiomyopathy 1G; Autosomal recessive limb-girdle muscular dystrophy type 2J. Last evaluated: 2020-09-17. Review status: criteria provided, single submitter. Criteria: Invitae Variant Classification Sherloc (09022015). Collection method: clinical testing. Allele origin: germline.
Comment: This sequence change results in a premature translational stop signal in the TTN gene (p.Glu24476*). While this is not anticipated to result in nonsense mediated decay, it is expected to create a truncated TTN protein. This variant is not present in population databases (ExAC no frequency). This variant has been observed in individual(s) with dilated cardiomyopathy (Invitae). In summary, the currently available evidence indicates that the variant is pathogenic, but additional data are needed to prove that conclusively. Therefore, this variant has been classified as Likely Pathogenic. This variant is located in the A band of TTN (PMID: 25589632). Truncating variants in this region are significantly overrepresented in patients affected with dilated cardiomyopathy (PMID: 25589632). Truncating variants in this region have also been reported in individuals affected with autosomal recessive centronuclear myopathy (PMID: 23975875).

Literature cited by the submitters: PubMed 25589632; PubMed 23975875.